The following is an entry in ClinVar:

NM_033641.4(COL4A6):c.1768-54G>A

Gene: COL4A6 (collagen type IV alpha 6 chain; minus strand). Cytogenetic location: Xq22.3.
Variant type: single nucleotide variant.
Coding change: c.1768-54G>A on transcript NM_033641.4 (MANE Select); 54 bases into the intron before coding-DNA position 1768, G replaced by A.
Molecular consequence: intron variant.
Genome position (GRCh38, 1-based): chrX:108,187,333, C>T on the plus strand (G>A on the coding strand, the complement: COL4A6 is on the minus strand). VCF-style: chrX-108187333-C-T. GRCh37 (hg19) VCF-style: chrX-107430563-C-T.
Other names: c.1771-54G>A (NM_001847.4); c.1768-54G>A (NM_001287760.2, NM_001287759.2, NM_001287758.2).
Identifiers: ClinVar variation 683227 (VCV000683227.2), dbSNP rs55806318, ClinGen allele CA334051690.

ClinVar aggregate classification (germline): Benign. Review status: criteria provided, multiple submitters, no conflicts (2 of 4 stars). 2 submissions from 2 submitters: Benign (2). Last evaluated 2018-06-16.

Allele frequency attached by ClinVar (database versions not stated): 1000 Genomes Project 30x 0.08075; gnomAD 0.05053 and 0.05172; TOPMed 0.05781; 1000 Genomes Project 0.07762.

Submissions (2):

GeneDx
Classification: Benign. Last evaluated: 2018-06-16. Review status: criteria provided, single submitter. Criteria: GeneDx Variant Classification (06012015). Collection method: clinical testing. Allele origin: germline. Affected: yes.
Comment: This variant is considered likely benign or benign based on one or more of the following criteria: it is a conservative change, it occurs at a poorly conserved position in the protein, it is predicted to be benign by multiple in silico algorithms, and/or has population frequency not consistent with disease.

Breakthrough Genomics
Classification: Benign. Review status: criteria provided, single submitter. Criteria: ACMG Guidelines, 2015. Collection method: not provided. Allele origin: germline. Inheritance: X-linked inheritance. Affected: yes.